The following is an entry in ClinVar:

ClinVar aggregate classification (germline): Uncertain significance (1 of 4 stars; one submission).

Submission:

GeneDx
Classification: Uncertain significance. Last evaluated: 2022-01-05. Review status: criteria provided, single submitter. Criteria: GeneDx Variant Classification Process June 2021. Collection method: clinical testing. Allele origin: germline. Affected: yes.
Comment: Not observed at significant frequency in large population cohorts (gnomAD); In silico analysis supports that this missense variant does not alter protein structure/function; Has not been previously published as pathogenic or benign to our knowledge

NM_001008537.3(NEXMIF):c.49A>G (p.Asn17Asp)

Gene: NEXMIF (neurite extension and migration factor; minus strand). Cytogenetic location: Xq13.3.
Variant type: single nucleotide variant.
Coding change: c.49A>G on transcript NM_001008537.3 (MANE Select); coding-DNA position 49, A replaced by G.
Protein change: p.Asn17Asp; replaces asparagine 17 with aspartic acid.
Molecular consequence: missense variant.
Genome position (GRCh38, 1-based): chrX:74,745,602, T>C on the plus strand (A>G on the coding strand, the complement: NEXMIF is on the minus strand). VCF-style: chrX-74745602-T-C. GRCh37 (hg19) VCF-style: chrX-73965437-T-C.
Other names: short protein forms N17D.
Identifiers: ClinVar variation 1695607 (VCV001695607.2), dbSNP rs2147442631, ClinGen allele CA413674566.